The following is an entry in ClinVar:

NM_003482.4(KMT2D):c.175A>G (p.Ser59Gly)

Gene: KMT2D (lysine methyltransferase 2D; minus strand). Cytogenetic location: 12q13.12.
Variant type: single nucleotide variant.
Coding change: c.175A>G on transcript NM_003482.4 (MANE Select); coding-DNA position 175, A replaced by G.
Protein change: p.Ser59Gly; replaces serine 59 with glycine.
Molecular consequence: missense variant.
Genome position (GRCh38, 1-based): chr12:49,054,901, T>C on the plus strand (A>G on the coding strand, the complement: KMT2D is on the minus strand). VCF-style: chr12-49054901-T-C. GRCh37 (hg19) VCF-style: chr12-49448684-T-C.
Other names: short protein forms S59G.
Identifiers: ClinVar variation 463013 (VCV000463013.9), dbSNP rs1555198862, ClinGen allele CA384689589.

ClinVar aggregate classification (germline): Conflicting classifications of pathogenicity. Review status: criteria provided, conflicting classifications (1 of 4 stars). 2 submissions from 2 submitters: Likely pathogenic (1); Uncertain significance (1). Last evaluated 2026-02-04.

Conditions:
Kabuki syndrome. Also called: Kabuki make-up syndrome; NIIKAWA-KUROKI SYNDROME. Identifiers: Orphanet 2322, MedGen C0796004, MONDO:0016512.
KMT2D-related disorder. Also called: KMT2D-Related Disorders.

Submissions (2):

Labcorp Genetics (formerly Invitae), Labcorp
Classification: Uncertain significance for Kabuki syndrome. Last evaluated: 2026-02-04. Review status: criteria provided, single submitter. Criteria: Invitae Variant Classification Sherloc (09022015). Collection method: clinical testing. Allele origin: germline.
Comment: This sequence change replaces serine, which is neutral and polar, with glycine, which is neutral and non-polar, at codon 59 of the KMT2D protein (p.Ser59Gly). This variant is not present in population databases (gnomAD no frequency). This variant has not been reported in the literature in individuals affected with KMT2D-related conditions. ClinVar contains an entry for this variant (Variation ID: 463013). Experimental studies and prediction algorithms are not available or were not evaluated, and the functional significance of this variant is currently unknown. Algorithms developed to predict the effect of sequence changes on RNA splicing suggest that this variant may disrupt the consensus splice site. In summary, the available evidence is currently insufficient to determine the role of this variant in disease. Therefore, it has been classified as a Variant of Uncertain Significance.

PreventionGenetics, part of Exact Sciences
Classification: Likely pathogenic for KMT2D-related condition. Last evaluated: 2022-12-11. Review status: criteria provided, single submitter. Criteria: ACMG Guidelines, 2015. Collection method: clinical testing. Allele origin: germline.
Comment: The KMT2D c.175A>G variant is predicted to result in the amino acid substitution p.Ser59Gly. This variant is predicted to abolish the canonical donor site (Alamut Visual Plus v1.6.1). To our knowledge, this variant has not been reported in the literature or in a large population database, indicating this variant is rare. Variants that disrupt the canonical splice donor sites in KMT2D are expected to be pathogenic. This variant is interpreted as likely pathogenic.